The following is an entry in ClinVar:

ClinVar aggregate classification (germline): Benign (1 of 4 stars; one submission).

Conditions:
Autosomal recessive osteopetrosis 2. Also called: OSTEOPETROSIS, MILD AUTOSOMAL RECESSIVE FORM. Identifiers: Orphanet 667, MedGen C1850126, MONDO:0009816, OMIM 259710.

Allele frequency attached by ClinVar (database versions not stated): gnomAD 0.00886 and 0.00933; TOPMed 0.00966; 1000 Genomes Project 30x 0.01109; 1000 Genomes Project 0.01158.

Submission:

Illumina Laboratory Services, Illumina
Classification: Benign for Autosomal recessive osteopetrosis 2. Last evaluated: 2018-01-13. Review status: criteria provided, single submitter. Criteria: ICSL Variant Classification Criteria 13 December 2019. Collection method: clinical testing. Allele origin: germline.
Comment: This variant was observed in the ICSL laboratory as part of a predisposition screen in an ostensibly healthy population. It had not been previously curated by ICSL or reported in the Human Gene Mutation Database (HGMD: prior to June 1st, 2018), and was therefore a candidate for classification through an automated scoring system. Utilizing variant allele frequency, disease prevalence and penetrance estimates, and inheritance mode, an automated score was calculated to assess if this variant is too frequent to cause the disease. Based on the score and internal cut-off values, a variant classified as benign is not then subjected to further curation. The score for this variant resulted in a classification of benign for this disease.

NM_003701.4(TNFSF11):c.*704G>A

Gene: TNFSF11 (TNF superfamily member 11; plus strand). Cytogenetic location: 13q14.11.
Variant type: single nucleotide variant.
Coding change: c.*704G>A on transcript NM_003701.4 (MANE Select); 704 bases downstream of the stop codon, G replaced by A.
Molecular consequence: 3 prime UTR variant.
Genome position (GRCh38, 1-based): chr13:42,607,622, G>A. VCF-style: chr13-42607622-G-A. GRCh37 (hg19) VCF-style: chr13-43181758-G-A.
Other names: c.*704G>A (NM_033012.4).
Identifiers: ClinVar variation 312248 (VCV000312248.5), dbSNP rs34886516, ClinGen allele CA10634426.